The following is an entry in ClinVar:

ClinVar aggregate classification (germline): Benign/Likely benign. Review status: criteria provided, multiple submitters, no conflicts (2 of 4 stars). 4 submissions from 4 submitters: Benign (2); Likely benign (1). 1 of the submissions does not count toward it. Last evaluated 2025-09-02.

Conditions:
Inborn genetic diseases. Identifiers: MedGen C0950123, MeSH D030342.
Tatton-Brown-Rahman overgrowth syndrome. Also called: Tall stature-intellectual disability-facial dysmorphism syndrome; Tatton-Brown-Rahman syndrome. Identifiers: Orphanet 404443, MedGen C4014545, MONDO:0014382, OMIM 615879.
DNMT3A-related disorder. Also called: DNMT3A-related disorders; DNMT3A-related condition.

Allele frequency attached by ClinVar (database versions not stated): ExAC 0.00010; ESP Exome Variant Server 0.00023; gnomAD 0.00034 and 0.00038; TOPMed 0.00036.
gnomAD v4.1: 110 of 1,614,004 alleles (0.0068%); highest among the groups gnomAD compares: African/African-American, 0.13%; no homozygotes.

Submissions (4):

Labcorp Genetics (formerly Invitae), Labcorp
Classification: Benign for Tatton-Brown-Rahman overgrowth syndrome. Last evaluated: 2025-09-02. Review status: criteria provided, single submitter. Criteria: Invitae Variant Classification Sherloc (09022015). Collection method: clinical testing. Allele origin: germline.

Ambry Genetics
Classification: Likely benign for Inborn genetic diseases. Last evaluated: 2024-11-21. Review status: criteria provided, single submitter. Criteria: Ambry Variant Classification Scheme 2023. Collection method: clinical testing. Allele origin: germline.

GeneDx
Classification: Benign. Last evaluated: 2020-08-10. Review status: criteria provided, single submitter. Criteria: GeneDx Variant Classification Process June 2021. Collection method: clinical testing. Allele origin: germline. Affected: yes.

PreventionGenetics, part of Exact Sciences
Classification: Likely benign for DNMT3A-related condition. Last evaluated: 2021-08-10. Review status: no assertion criteria provided. Collection method: clinical testing. Allele origin: germline. Not counted in ClinVar's aggregate classification.
Comment: This variant is classified as likely benign based on ACMG/AMP sequence variant interpretation guidelines (Richards et al. 2015 PMID: 25741868, with internal and published modifications).

NM_022552.5(DNMT3A):c.1443C>T (p.Tyr481=)

Gene: DNMT3A (DNA methyltransferase 3 alpha; minus strand). Cytogenetic location: 2p23.3.
Variant type: single nucleotide variant.
Coding change: c.1443C>T on transcript NM_022552.5 (MANE Select); coding-DNA position 1443, C replaced by T.
Protein change: p.Tyr481=; no amino-acid change (tyrosine 481 retained).
Molecular consequence: synonymous variant. On other transcripts: non-coding transcript variant (1).
Genome position (GRCh38, 1-based): chr2:25,246,051, G>A on the plus strand (C>T on the coding strand, the complement: DNMT3A is on the minus strand). VCF-style: chr2-25246051-G-A. GRCh37 (hg19) VCF-style: chr2-25468920-G-A.
Other names: c.987C>T, p.Tyr329= (NM_001320893.1); c.774C>T, p.Tyr258= (NM_001375819.1); c.876C>T, p.Tyr292= (NM_153759.3); c.1443C>T, p.Tyr481= (NM_175629.2); c.1443C>T (NM_022552.3).
Identifiers: ClinVar variation 1250188 (VCV001250188.10), dbSNP rs145465364, ClinGen allele CA1556009.
Genomic context (GRCh38, chr2:25,246,051, plus strand): 5'-GTGCCAGAGTTCCCAGGCAACAAACTTACCCTCAATGTTCCGGCACTTCTGCCGCACCTC[G>A]TACACCAGCCGCTCTGCAAGGGGAGGAGAGCTGGCGTCAGAGGAGGCCGCGCCTGCTCCT-3'
Protein context (NP_072046.2, residues 471-491): IDERTRERLV[Tyr481=]EVRQKCRNIE